The following is an entry in ClinVar:

ClinVar aggregate classification (germline): Uncertain significance. Review status: criteria provided, multiple submitters, no conflicts (2 of 4 stars). 3 submissions from 3 submitters: Uncertain significance (3). Last evaluated 2025-03-29.

Conditions:
Chuvash polycythemia. Also called: POLYCYTHEMIA, VHL-DEPENDENT. Identifiers: Orphanet 238557, MedGen C1837915, MONDO:0009892, OMIM 263400.
Von Hippel-Lindau syndrome (VHLS). Also called: Von Hippel-Lindau; VHL syndrome; von Hippel–Lindau syndrome. Identifiers: Orphanet 892, MedGen C0019562, MONDO:0008667, OMIM 193300. Disease mechanism: loss of function.
Hereditary cancer-predisposing syndrome. Also called: Hereditary Cancer Syndrome; Tumor predisposition; Neoplastic Syndromes, Hereditary; Hereditary neoplastic syndrome. Identifiers: Orphanet 140162, MedGen C0027672, MeSH D009386, MONDO:0015356.

Allele frequency attached by ClinVar (database versions not stated): gnomAD exomes 0.00001 and 0.00002; ExAC 0.00004.
gnomAD v4.1: 6 of 1,614,196 alleles (0.00037%); highest among the groups gnomAD compares: Non-Finnish European, 0.00051%; no homozygotes.

Submissions (3):

Ambry Genetics
Classification: Uncertain significance for Hereditary cancer-predisposing syndrome. Last evaluated: 2025-03-29. Review status: criteria provided, single submitter. Criteria: Ambry Variant Classification Scheme 2023. Collection method: clinical testing. Allele origin: germline.
Comment: The p.D197A variant (also known as c.590A>C), located in coding exon 3 of the VHL gene, results from an A to C substitution at nucleotide position 590. The aspartic acid at codon 197 is replaced by alanine, an amino acid with dissimilar properties. This variant was determined to be functionally neutral in one saturation genome editing assay (Buckley M et al. Nat Genet, 2024 Jul;56:1446-1455). Based on data from gnomAD, the frequency for this variant is above the maximum credible frequency for a disease-causing variant in this gene based on internally established thresholds (Karczewski et al. Nature. 2020 May;581(7809):434-443; Whiffin et al. Genet Med. 2017 10;19:1151-1158). This amino acid position is highly conserved in available vertebrate species. In addition, this alteration is predicted to be deleterious by in silico analysis. Based on the available evidence, the clinical significance of this variant remains unclear.

Labcorp Genetics (formerly Invitae), Labcorp
Classification: Uncertain significance for Von Hippel-Lindau syndrome; Chuvash polycythemia. Last evaluated: 2024-07-01. Review status: criteria provided, single submitter. Criteria: Invitae Variant Classification Sherloc (09022015). Collection method: clinical testing. Allele origin: germline.
Comment: This sequence change replaces aspartic acid, which is acidic and polar, with alanine, which is neutral and non-polar, at codon 197 of the VHL protein (p.Asp197Ala). This variant is present in population databases (rs752940316, gnomAD 0.004%). This variant has not been reported in the literature in individuals affected with VHL-related conditions. ClinVar contains an entry for this variant (Variation ID: 651435). Advanced modeling of protein sequence and biophysical properties (such as structural, functional, and spatial information, amino acid conservation, physicochemical variation, residue mobility, and thermodynamic stability) performed at Invitae indicates that this missense variant is expected to disrupt VHL protein function with a positive predictive value of 95%. In summary, the available evidence is currently insufficient to determine the role of this variant in disease. Therefore, it has been classified as a Variant of Uncertain Significance.

Baylor Genetics
Classification: Uncertain significance for Chuvash polycythemia. Last evaluated: 2023-12-15. Review status: criteria provided, single submitter. Criteria: ACMG Guidelines, 2015. Collection method: clinical testing. Allele origin: unknown.

Literature cited by the submitters: PubMed 38969834 (cited by Ambry Genetics).

NM_000551.4(VHL):c.590A>C (p.Asp197Ala)

Genes: VHL (von Hippel-Lindau tumor suppressor; plus strand), LOC107303340 (3p25 von Hippel-Lindau tumor suppressor, E3 ubiquitin protein ligase Alu-mediated recombination region; plus strand). Cytogenetic location: 3p25.3.
Variant type: single nucleotide variant.
Coding change: c.590A>C on transcript NM_000551.4 (MANE Select); coding-DNA position 590, A replaced by C.
Protein change: p.Asp197Ala; replaces aspartic acid 197 with alanine.
Molecular consequence: missense variant. On other transcripts: 3 prime UTR variant (1).
Genome position (GRCh38, 1-based): chr3:10,149,913, A>C. VCF-style: chr3-10149913-A-C. GRCh37 (hg19) VCF-style: chr3-10191597-A-C.
Other names: c.*144A>C (NM_001354723.2); c.467A>C, p.Asp156Ala (NM_198156.3); short protein forms D197A, D156A.
Identifiers: ClinVar variation 651435 (VCV000651435.11), dbSNP rs752940316, ClinGen allele CA041749.